The following is an entry in ClinVar:

NM_025137.4(SPG11):c.7197G>A (p.Lys2399=)

Gene: SPG11 (SPG11 vesicle trafficking associated, spatacsin; minus strand). Cytogenetic location: 15q21.1.
Variant type: single nucleotide variant.
Coding change: c.7197G>A on transcript NM_025137.4 (MANE Select); coding-DNA position 7197, G replaced by A.
Protein change: p.Lys2399=; no amino-acid change (lysine 2399 retained).
Molecular consequence: synonymous variant.
Genome position (GRCh38, 1-based): chr15:44,563,256, C>T on the plus strand (G>A on the coding strand, the complement: SPG11 is on the minus strand). VCF-style: chr15-44563256-C-T. GRCh37 (hg19) VCF-style: chr15-44855454-C-T.
Other names: p.Lys2399=; c.6858G>A, p.Lys2286= (NM_001160227.2).
Identifiers: ClinVar variation 220388 (VCV000220388.57), dbSNP rs61732733, ClinGen allele CA349992.
Genomic context (GRCh38, chr15:44,563,256, plus strand): 5'-CTTGTGTTCGTATGCCAACTTGTAATACAGGTAAACATCTTCACAATATGTGAGTAATTT[C>T]TTCAGGTTTTCCATGACCATGTCAGTAGGCTGATGTTGTTTATATCTAGATAAAGAAACA-3'
Protein context (NP_079413.3, residues 2389-2409): QPTDMVMENL[Lys2399=]KLLTYCEDVY

ClinVar aggregate classification (germline): Conflicting classifications of pathogenicity. Review status: criteria provided, conflicting classifications (1 of 4 stars). 11 submissions from 11 submitters: Uncertain significance (1); Benign (6); Likely benign (1). 3 of the submissions do not count toward it. Last evaluated 2026-02-03.

Conditions:
Inborn genetic diseases. Identifiers: MedGen C0950123, MeSH D030342.
Hereditary spastic paraplegia. Also called: Familial spastic paraparesis. Identifiers: Orphanet 685, MedGen C0037773, MONDO:0019064. Disease mechanism: loss of function.
Hereditary spastic paraplegia 11. Also called: SPASTIC PARAPLEGIA, AUTOSOMAL RECESSIVE, COMPLICATED, WITH THIN CORPUS CALLOSUM; SPASTIC PARAPLEGIA, AUTOSOMAL RECESSIVE, WITH MENTAL IMPAIRMENT AND THIN CORPUS CALLOSUM; Spastic Paraplegia 11; Nakamura Osame syndrome; Autosomal recessive hereditary spastic paraplegia, mental impairment, and thin corpus callosum; Spastic paraplegia, mental retardation and thin corpus callosum. Identifiers: Orphanet 2822, MedGen C1858479, MONDO:0011445, OMIM 604360.

Allele frequency attached by ClinVar (database versions not stated): 1000 Genomes Project 0.00220; 1000 Genomes Project 30x 0.00234; ExAC 0.00639; gnomAD exomes 0.00674 and 0.01347; TOPMed 0.00740; gnomAD 0.00782 and 0.00809; ESP Exome Variant Server 0.00885.
gnomAD v4.1: 20,517 of 1,613,934 alleles (1.3%); highest among the groups gnomAD compares: Non-Finnish European, 1.7%; 192 homozygotes.

Submissions (11):

Labcorp Genetics (formerly Invitae), Labcorp
Classification: Benign for Hereditary spastic paraplegia 11. Last evaluated: 2026-02-03. Review status: criteria provided, single submitter. Criteria: Invitae Variant Classification Sherloc (09022015). Collection method: clinical testing. Allele origin: germline.

Blueprint Genetics
Classification: Likely benign. Last evaluated: 2024-11-25. Review status: criteria provided, single submitter. Criteria: ACMG Guidelines, 2015. Collection method: clinical testing. Allele origin: germline.

CeGaT Center for Human Genetics Tuebingen
Classification: Benign. Last evaluated: 2024-07-01. Review status: criteria provided, single submitter. Criteria: CeGaT Center For Human Genetics Tuebingen Variant Classification Criteria Version 2. Collection method: clinical testing. Allele origin: germline. Affected: yes. Observed: 33 variant alleles.
Comment: SPG11: BP4, BS1, BS2

Genome Diagnostics Laboratory, The Hospital for Sick Children
Classification: Benign for Hereditary spastic paraplegia. Last evaluated: 2021-11-24. Review status: criteria provided, single submitter. Criteria: ACMG Guidelines, 2015. Collection method: clinical testing. Allele origin: germline. Affected: yes.

Ambry Genetics
Classification: Benign for Inborn genetic diseases. Last evaluated: 2021-09-10. Review status: criteria provided, single submitter. Criteria: Ambry Variant Classification Scheme 2023. Collection method: clinical testing. Allele origin: germline.

Illumina Laboratory Services, Illumina
Classification: Uncertain significance for Hereditary spastic paraplegia 11. Last evaluated: 2018-01-13. Review status: criteria provided, single submitter. Criteria: ICSL Variant Classification Criteria 13 December 2019. Collection method: clinical testing. Allele origin: germline.

GeneDx
Classification: Benign. Last evaluated: 2016-08-30. Review status: criteria provided, single submitter. Criteria: GeneDx Variant Classification (06012015). Collection method: clinical testing. Allele origin: germline. Affected: yes.
Comment: This variant is considered likely benign or benign based on one or more of the following criteria: it is a conservative change, it occurs at a poorly conserved position in the protein, it is predicted to be benign by multiple in silico algorithms, and/or has population frequency not consistent with disease.

Mayo Clinic Laboratories, Mayo Clinic
Classification: Benign. Last evaluated: 2016-04-14. Review status: criteria provided, single submitter. Criteria: ACMG Guidelines, 2015. Collection method: clinical testing. Allele origin: germline. Observed: 89 variant alleles.

Clinical Genetics, Academic Medical Center
Classification: Benign. Review status: no assertion criteria provided. Collection method: clinical testing. Allele origin: germline. Affected: yes. Study: VKGL Data-share Consensus. Not counted in ClinVar's aggregate classification.

Genome Diagnostics Laboratory, Amsterdam University Medical Center
Classification: Benign. Review status: no assertion criteria provided. Collection method: clinical testing. Allele origin: germline. Affected: yes. Study: VKGL Data-share Consensus. Not counted in ClinVar's aggregate classification.

Joint Genome Diagnostic Labs from Nijmegen and Maastricht, Radboudumc and MUMC+
Classification: Benign. Review status: no assertion criteria provided. Collection method: clinical testing. Allele origin: germline. Affected: yes. Study: VKGL Data-share Consensus. Not counted in ClinVar's aggregate classification.